The following is an entry in ClinVar:

ClinVar aggregate classification (germline): Uncertain significance (1 of 4 stars; one submission).

Submission:

GeneDx
Classification: Uncertain significance. Last evaluated: 2023-10-23. Review status: criteria provided, single submitter. Criteria: GeneDx Variant Classification Process June 2021. Collection method: clinical testing. Allele origin: germline. Affected: yes.
Comment: Not observed at significant frequency in large population cohorts (gnomAD); Has not been previously published as pathogenic or benign to our knowledge

NM_001399.5(EDA):c.502+2T>C

Gene: EDA (ectodysplasin A; plus strand). Cytogenetic location: Xq13.1.
Variant type: single nucleotide variant.
Coding change: c.502+2T>C on transcript NM_001399.5 (MANE Select); the canonical splice donor site of the intron after coding-DNA position 502, T replaced by C.
Molecular consequence: splice donor variant.
Genome position (GRCh38, 1-based): chrX:69,957,134, T>C. VCF-style: chrX-69957134-T-C. GRCh37 (hg19) VCF-style: chrX-69176984-T-C.
Other names: c.502+2T>C (NM_001005609.2, NM_001005612.3).
Identifiers: ClinVar variation 3363304 (VCV003363304.1).
Genomic context (GRCh38, chrX:69,957,134, plus strand): 5'-AGAAGAAAGTAGGCGTGTTCGCCGCAATAAAAGAAGCAAAAGCAATGAAGGAGCAGATGG[T>C]AAGTCTACTCAGTTGATCCTTTATCACTTCTGAATTATTTGTTAGTAAAAGTATCCTTTT-3'